The following is an entry in ClinVar:

ClinVar aggregate classification (germline): Uncertain significance (1 of 4 stars; one submission).

Conditions:
Cardiomyopathy (CMYO). Also called: Cardiomyopathies. Identifiers: Orphanet 167848, MedGen C0878544, MONDO:0004994, HP:0001638. Inheritance: Various modes of inheritance.

Allele frequency attached by ClinVar (database versions not stated): gnomAD 0.00001.
gnomAD v4.1: 2 of 1,613,886 alleles (0.00012%); highest among the groups gnomAD compares: Non-Finnish European, 0.00017%; no homozygotes.

Submission:

Color Diagnostics, LLC DBA Color Health
Classification: Uncertain significance for Cardiomyopathy. Last evaluated: 2023-12-04. Review status: criteria provided, single submitter. Criteria: ACMG Guidelines, 2015. Collection method: clinical testing. Allele origin: germline.
Comment: Variant of Uncertain Significance due to insufficient evidence: This missense variant replaces serine with arginine at codon 669 of the PKP2 protein. Computational prediction tools and conservation analyses are inconclusive regarding the impact of this variant on the protein function. Computational splicing tools suggest that this variant may not impact RNA splicing. To our knowledge, functional assays have not been performed for this variant nor has this variant been reported in individuals affected with cardiovascular disorders in the literature. This variant is rare in the general population and has been identified in 0/277264 chromosomes by the Genome Aggregation Database (gnomAD). Available evidence is insufficient to determine the role of this variant in disease conclusively.

NM_001005242.3(PKP2):c.1875C>A (p.Ser625Arg)

Gene: PKP2 (plakophilin 2; minus strand). Cytogenetic location: 12p11.21.
Variant type: single nucleotide variant.
Coding change: c.1875C>A on transcript NM_001005242.3 (MANE Select); coding-DNA position 1875, C replaced by A.
Protein change: p.Ser625Arg; replaces serine 625 with arginine.
Molecular consequence: missense variant.
Genome position (GRCh38, 1-based): chr12:32,821,494, G>T on the plus strand (C>A on the coding strand, the complement: PKP2 is on the minus strand). VCF-style: chr12-32821494-G-T. GRCh37 (hg19) VCF-style: chr12-32974428-G-T.
Other names: c.2007C>A, p.Ser669Arg (NM_004572.4); short protein forms S625R, S669R.
Identifiers: ClinVar variation 919173 (VCV000919173.5), dbSNP rs1956377686, ClinGen allele CA384362250.
Genomic context (GRCh38, chr12:32,821,494, plus strand): 5'-CAAGGACAGATACATCCTTATAACAATGGAATGCCACAGCCACTCCACGCCCTTGGGGTT[G>T]CTCTTTTCCTCCGGCATCGGCACGTCCTGGTATTGCTGACCACACACAAAAGGAATCCAG-3'
Protein context (NP_001005242.2, residues 615-635): YQDVPMPEEK[Ser625Arg]NPKGVEWLWH